The following is an entry in ClinVar:

ClinVar aggregate classification (germline): Likely benign (1 of 4 stars; one submission).

gnomAD v4.1: 66 of 1,602,170 alleles (0.0041%); highest among the groups gnomAD compares: Non-Finnish European, 0.0054%; no homozygotes.

Submission:

CeGaT Center for Human Genetics Tuebingen
Classification: Likely benign. Last evaluated: 2023-02-01. Review status: criteria provided, single submitter. Criteria: CeGaT Center For Human Genetics Tuebingen Variant Classification Criteria Version 2. Collection method: clinical testing. Allele origin: germline. Affected: yes. Observed: 1 variant allele.
Comment: MINDY1: BP4, BP7

NM_001376665.1(MINDY1):c.1359C>T (p.Ala453=)

Gene: MINDY1 (MINDY lysine 48 deubiquitinase 1; minus strand). Cytogenetic location: 1q21.3.
Variant type: single nucleotide variant.
Coding change: c.1359C>T on transcript NM_001376665.1 (MANE Select); coding-DNA position 1359, C replaced by T.
Protein change: p.Ala453=; no amino-acid change (alanine 453 retained).
Molecular consequence: synonymous variant.
Genome position (GRCh38, 1-based): chr1:150,997,338, G>A on the plus strand (C>T on the coding strand, the complement: MINDY1 is on the minus strand). VCF-style: chr1-150997338-G-A. GRCh37 (hg19) VCF-style: chr1-150969814-G-A.
Other names: c.834C>T, p.Ala278= (NM_001376674.1); c.1359C>T, p.Ala453= (NM_018379.5, NM_001163258.3, NM_001319998.2); c.933C>T, p.Ala311= (NM_001040217.3, NM_001163260.2); c.1074C>T, p.Ala358= (NM_001163259.2); c.1362C>T, p.Ala454= (NM_001376664.1); c.1335C>T, p.Ala445= (NM_001376666.1); c.1332C>T, p.Ala444= (NM_001376667.1, NM_001376668.1); c.1200C>T, p.Ala400= (NM_001376669.1); and 3 more.
Identifiers: ClinVar variation 2639167 (VCV002639167.24), dbSNP rs140375829, ClinGen allele CA1083195.